The following is an entry in ClinVar:

ClinVar aggregate classification (germline): Uncertain significance (1 of 4 stars; one submission).

Conditions:
Inborn genetic diseases. Identifiers: MedGen C0950123, MeSH D030342.

Submission:

Ambry Genetics
Classification: Uncertain significance for Inborn genetic diseases. Last evaluated: 2023-10-03. Review status: criteria provided, single submitter. Criteria: Ambry Variant Classification Scheme 2023. Collection method: clinical testing. Allele origin: germline.
Comment: The c.1880-1G>A intronic alteration results from a G to A substitution one nucleotide before coding exon 18 of the PHIP gene. Alterations that disrupt the canonical splice site are expected to result in aberrant splicing. The resulting transcript is predicted to be in-frame and is not expected to trigger nonsense-mediated mRNA decay; however, direct evidence is unavailable. The exact functional effect of the altered amino acid sequence is unknown. This variant was not reported in population-based cohorts in the Genome Aggregation Database (gnomAD). This nucleotide position is highly conserved in available vertebrate species. In silico splice site analysis predicts that this alteration will weaken the native splice acceptor site and will result in the creation or strengthening of a novel splice acceptor site. Based on insufficient or conflicting evidence, the clinical significance of this alteration remains unclear.

NM_017934.7(PHIP):c.1880-1G>A

Gene: PHIP (PHIP subunit of CUL4-Ring ligase complex; minus strand). Cytogenetic location: 6q14.1.
Variant type: single nucleotide variant.
Coding change: c.1880-1G>A on transcript NM_017934.7 (MANE Select); the canonical splice acceptor site of the intron before coding-DNA position 1880, G replaced by A.
Molecular consequence: splice acceptor variant.
Genome position (GRCh38, 1-based): chr6:78,998,392, C>T on the plus strand (G>A on the coding strand, the complement: PHIP is on the minus strand). VCF-style: chr6-78998392-C-T. GRCh37 (hg19) VCF-style: chr6-79708109-C-T.
Identifiers: ClinVar variation 3212207 (VCV003212207.1), dbSNP rs2482046939, ClinGen allele CA364630981.
Genomic context (GRCh38, chr6:78,998,392, plus strand): 5'-TCATGCTGTCCAGTGGGCTGATCTCCTGGTTTGCTTGCTGACTTAAAACTTGATTCAGTC[C>T]TATACAATACCACACAAAATATTACGAATATTTTAGCTACTATTCAAACCATTTTACTCA-3'